The following is an entry in ClinVar:

ClinVar aggregate classification (germline): Uncertain significance (1 of 4 stars; one submission).

Allele frequency attached by ClinVar (database versions not stated): ExAC 0.00001; gnomAD 0.00001; gnomAD exomes 0.00001; TOPMed 0.00001.
gnomAD v4.1: 12 of 1,613,916 alleles (0.00074%); highest among the groups gnomAD compares: Non-Finnish European, 0.001%; no homozygotes.

Submission:

Labcorp Genetics (formerly Invitae), Labcorp
Classification: Uncertain significance. Last evaluated: 2024-06-18. Review status: criteria provided, single submitter. Criteria: Invitae Variant Classification Sherloc (09022015). Collection method: clinical testing. Allele origin: germline.
Comment: This sequence change replaces threonine, which is neutral and polar, with isoleucine, which is neutral and non-polar, at codon 1357 of the SETD5 protein (p.Thr1357Ile). This variant is present in population databases (rs761346453, gnomAD 0.002%). This variant has not been reported in the literature in individuals affected with SETD5-related conditions. ClinVar contains an entry for this variant (Variation ID: 2419033). Advanced modeling of protein sequence and biophysical properties (such as structural, functional, and spatial information, amino acid conservation, physicochemical variation, residue mobility, and thermodynamic stability) performed at Invitae indicates that this missense variant is not expected to disrupt SETD5 protein function with a negative predictive value of 80%. In summary, the available evidence is currently insufficient to determine the role of this variant in disease. Therefore, it has been classified as a Variant of Uncertain Significance.

NM_001080517.3(SETD5):c.4070C>T (p.Thr1357Ile)

Gene: SETD5 (SET domain containing 5; plus strand). Cytogenetic location: 3p25.3.
Variant type: single nucleotide variant.
Coding change: c.4070C>T on transcript NM_001080517.3 (MANE Select); coding-DNA position 4070, C replaced by T.
Protein change: p.Thr1357Ile; replaces threonine 1357 with isoleucine.
Molecular consequence: missense variant.
Genome position (GRCh38, 1-based): chr3:9,475,832, C>T. VCF-style: chr3-9475832-C-T. GRCh37 (hg19) VCF-style: chr3-9517516-C-T.
Other names: c.3776C>T, p.Thr1259Ile (NM_001292043.2, NM_001349451.2); short protein forms T1259I, T1357I.
Identifiers: ClinVar variation 2419033 (VCV002419033.6), dbSNP rs761346453, ClinGen allele CA2239858.
Genomic context (GRCh38, chr3:9,475,832, plus strand): 5'-GGAGGAGCTGCCCTTCTAGTGCTGCTAGCCCTACCCTGCAGGGACCCTCAGACTCGCCAA[C>T]CTCAGATTCAGTTTCTCAGTCCAGCACAGGAACTCTGAGTTCCACCTCCTTTCCTCAGAA-3'
Protein context (NP_001073986.1, residues 1347-1367): PTLQGPSDSP[Thr1357Ile]SDSVSQSSTG